The following is an entry in ClinVar:

ClinVar aggregate classification (germline): Uncertain significance. Review status: criteria provided, multiple submitters, no conflicts (2 of 4 stars). 2 submissions from 2 submitters: Uncertain significance (2). Last evaluated 2025-12-10.

gnomAD v4.1: 11 of 1,614,200 alleles (0.00068%); highest among the groups gnomAD compares: Non-Finnish European, 0.00093%; no homozygotes.

Submissions (2):

Ambry Genetics
Classification: Uncertain significance. Last evaluated: 2025-12-10. Review status: criteria provided, single submitter. Criteria: Ambry Variant Classification Scheme 2023. Collection method: clinical testing. Allele origin: germline.

CeGaT Center for Human Genetics Tuebingen
Classification: Uncertain significance. Last evaluated: 2025-09-01. Review status: criteria provided, single submitter. Criteria: CeGaT Center For Human Genetics Tuebingen Variant Classification Criteria Version 2. Collection method: clinical testing. Allele origin: germline. Affected: yes. Observed: 1 variant allele.
Comment: FAT2: PM2:Supporting, PP2, BP4

NM_001447.3(FAT2):c.8137G>C (p.Val2713Leu)

Genes: FAT2 (FAT atypical cadherin 2; minus strand), SLC36A1 (solute carrier family 36 member 1; plus strand). Cytogenetic location: 5q33.1.
Variant type: single nucleotide variant.
Coding change: c.8137G>C on transcript NM_001447.3 (MANE Select); coding-DNA position 8137, G replaced by C.
Protein change: p.Val2713Leu; replaces valine 2713 with leucine.
Molecular consequence: missense variant.
Genome position (GRCh38, 1-based): chr5:151,542,990, C>G on the plus strand (G>C on the coding strand, the complement: FAT2 is on the minus strand). VCF-style: chr5-151542990-C-G. GRCh37 (hg19) VCF-style: chr5-150922551-C-G.
Other names: c.8137G>C (NM_001447.2); short protein forms V2713L.
Identifiers: ClinVar variation 4281119 (VCV004281119.7).